The following is an entry in ClinVar:

NM_001372.4(DNAH9):c.12059C>T (p.Thr4020Met)

Gene: DNAH9 (dynein axonemal heavy chain 9; plus strand). Cytogenetic location: 17p12.
Variant type: single nucleotide variant.
Coding change: c.12059C>T on transcript NM_001372.4 (MANE Select); coding-DNA position 12059, C replaced by T.
Protein change: p.Thr4020Met; replaces threonine 4020 with methionine.
Molecular consequence: missense variant.
Genome position (GRCh38, 1-based): chr17:11,930,047, C>T. VCF-style: chr17-11930047-C-T. GRCh37 (hg19) VCF-style: chr17-11833364-C-T.
Other names: c.995C>T, p.Thr332Met (NM_004662.2); c.12059C>T (NM_001372.3); short protein forms T4020M, T332M.
Identifiers: ClinVar variation 1515162 (VCV001515162.8), dbSNP rs774626535, ClinGen allele CA8398032.

ClinVar aggregate classification (germline): Uncertain significance. Review status: criteria provided, multiple submitters, no conflicts (2 of 4 stars). 2 submissions from 2 submitters: Uncertain significance (2). Last evaluated 2025-04-15.

Conditions:
Inborn genetic diseases. Identifiers: MedGen C0950123, MeSH D030342.

Allele frequency attached by ClinVar (database versions not stated): gnomAD 0.00001; TOPMed 0.00001; gnomAD exomes 0.00003; ExAC 0.00002.
gnomAD v4.1: 16 of 1,614,016 alleles (0.00099%); highest among the groups gnomAD compares: Admixed American, 0.0083%; no homozygotes.

Submissions (2):

Ambry Genetics
Classification: Uncertain significance for Inborn genetic diseases. Last evaluated: 2025-04-15. Review status: criteria provided, single submitter. Criteria: Ambry Variant Classification Scheme 2023. Collection method: clinical testing. Allele origin: germline.

Labcorp Genetics (formerly Invitae), Labcorp
Classification: Uncertain significance. Last evaluated: 2024-07-10. Review status: criteria provided, single submitter. Criteria: Invitae Variant Classification Sherloc (09022015). Collection method: clinical testing. Allele origin: germline.
Comment: This sequence change replaces threonine, which is neutral and polar, with methionine, which is neutral and non-polar, at codon 4020 of the DNAH9 protein (p.Thr4020Met). This variant is present in population databases (rs774626535, gnomAD 0.02%). This variant has not been reported in the literature in individuals affected with DNAH9-related conditions. ClinVar contains an entry for this variant (Variation ID: 1515162). Advanced modeling of protein sequence and biophysical properties (such as structural, functional, and spatial information, amino acid conservation, physicochemical variation, residue mobility, and thermodynamic stability) performed at Invitae indicates that this missense variant is expected to disrupt DNAH9 protein function with a positive predictive value of 80%. In summary, the available evidence is currently insufficient to determine the role of this variant in disease. Therefore, it has been classified as a Variant of Uncertain Significance.